The following is an entry in ClinVar:

NM_020806.5(GPHN):c.633A>G (p.Gln211=)

Gene: GPHN (gephyrin; plus strand). Cytogenetic location: 14q23.3.
Variant type: single nucleotide variant.
Coding change: c.633A>G on transcript NM_020806.5 (MANE Select); coding-DNA position 633, A replaced by G.
Protein change: p.Gln211=; no amino-acid change (glutamine 211 retained).
Molecular consequence: synonymous variant.
Genome position (GRCh38, 1-based): chr14:66,922,842, A>G. VCF-style: chr14-66922842-A-G. GRCh37 (hg19) VCF-style: chr14-67389559-A-G.
Other names: c.633A>G, p.Gln211= (NM_001024218.2, NM_001377515.1, NM_001377516.1 and 2 more transcripts); c.672A>G, p.Gln224= (NM_001377514.1, NM_001377519.1).
Identifiers: ClinVar variation 466211 (VCV000466211.37), dbSNP rs151322023, ClinGen allele CA7233793.
Genomic context (GRCh38, chr14:66,922,842, plus strand): 5'-CCCTCTTTCCCCTCCTCCTACTACCAGCCCCCATAAACAGACAGAAGACAAAGGAGTTCA[A>G]TGTGAGGAAGAGGAAGAAGAGAAGAAAGACAGTGGTGTTGCTTCAACAGAAGATAGTTCC-3'
Protein context (NP_065857.1, residues 201-221): PHKQTEDKGV[Gln211=]CEEEEEEKKD

ClinVar aggregate classification (germline): Likely benign. Review status: criteria provided, multiple submitters, no conflicts (2 of 4 stars). 4 submissions from 4 submitters: Likely benign (4). Last evaluated 2026-01-28.

Conditions:
Sulfite oxidase deficiency due to molybdenum cofactor deficiency type C. Also called: Molybdenum cofactor deficiency, complementation group C; Molybdenum cofactor deficiency C. Identifiers: Orphanet 308400, Orphanet 833, MedGen C1854990, MONDO:0014212, OMIM 615501.

Allele frequency attached by ClinVar (database versions not stated): TOPMed 0.00016; gnomAD 0.00022 and 0.00025; ESP Exome Variant Server 0.00023; gnomAD exomes 0.00024 and 0.00033; ExAC 0.00042.
gnomAD v4.1: 396 of 1,613,606 alleles (0.025%); highest among the groups gnomAD compares: South Asian, 0.11%; 3 homozygotes.

Submissions (4):

Labcorp Genetics (formerly Invitae), Labcorp
Classification: Likely benign for Sulfite oxidase deficiency due to molybdenum cofactor deficiency type C. Last evaluated: 2026-01-28. Review status: criteria provided, single submitter. Criteria: Invitae Variant Classification Sherloc (09022015). Collection method: clinical testing. Allele origin: germline.

CeGaT Center for Human Genetics Tuebingen
Classification: Likely benign. Last evaluated: 2025-07-01. Review status: criteria provided, single submitter. Criteria: CeGaT Center For Human Genetics Tuebingen Variant Classification Criteria Version 2. Collection method: clinical testing. Allele origin: germline. Affected: yes. Observed: 3 variant alleles.
Comment: GPHN: BP4, BP7

Blueprint Genetics
Classification: Likely benign. Last evaluated: 2024-07-09. Review status: criteria provided, single submitter. Criteria: ACMG Guidelines, 2015. Collection method: clinical testing. Allele origin: germline.

Breakthrough Genomics
Classification: Likely benign. Review status: criteria provided, single submitter. Criteria: ACMG Guidelines, 2015. Collection method: not provided. Allele origin: germline. Inheritance: Autosomal recessive inheritance. Affected: yes.